The following is an entry in ClinVar:

NM_004995.4(MMP14):c.136C>T (p.Pro46Ser)

Gene: MMP14 (matrix metallopeptidase 14; plus strand). Cytogenetic location: 14q11.2.
Variant type: single nucleotide variant.
Coding change: c.136C>T on transcript NM_004995.4 (MANE Select); coding-DNA position 136, C replaced by T.
Protein change: p.Pro46Ser; replaces proline 46 with serine.
Molecular consequence: missense variant.
Genome position (GRCh38, 1-based): chr14:22,841,518, C>T. VCF-style: chr14-22841518-C-T. GRCh37 (hg19) VCF-style: chr14-23310727-C-T.
Other names: short protein forms P46S.
Identifiers: ClinVar variation 2967955 (VCV002967955.3), dbSNP rs200095510, ClinGen allele CA7105090.

ClinVar aggregate classification (germline): Uncertain significance (1 of 4 stars; one submission).

Allele frequency attached by ClinVar (database versions not stated): 1000 Genomes Project 30x 0.00016; gnomAD 0.00001; 1000 Genomes Project 0.00020; ExAC 0.00001.
gnomAD v4.1: 7 of 1,614,036 alleles (0.00043%); highest among the groups gnomAD compares: Non-Finnish European, 0.00059%; no homozygotes.

Submission:

Labcorp Genetics (formerly Invitae), Labcorp
Classification: Uncertain significance. Last evaluated: 2025-09-08. Review status: criteria provided, single submitter. Criteria: Invitae Variant Classification Sherloc (09022015). Collection method: clinical testing. Allele origin: germline.
Comment: This sequence change replaces proline, which is neutral and non-polar, with serine, which is neutral and polar, at codon 46 of the MMP14 protein (p.Pro46Ser). This variant is present in population databases (rs200095510, gnomAD 0.0009%). This variant has not been reported in the literature in individuals affected with MMP14-related conditions. ClinVar contains an entry for this variant (Variation ID: 2967955). Invitae Evidence Modeling of protein sequence and biophysical properties (such as structural, functional, and spatial information, amino acid conservation, physicochemical variation, residue mobility, and thermodynamic stability) indicates that this missense variant is not expected to disrupt MMP14 protein function with a negative predictive value of 80%. In summary, the available evidence is currently insufficient to determine the role of this variant in disease. Therefore, it has been classified as a Variant of Uncertain Significance.